The following is an entry in ClinVar:

NM_001329943.3(KIAA0586):c.200-2A>G

Gene: KIAA0586 (KIAA0586; plus strand). Cytogenetic location: 14q23.1.
Variant type: single nucleotide variant.
Coding change: c.200-2A>G on transcript NM_001329943.3 (MANE Select); the canonical splice acceptor site of the intron before coding-DNA position 200, A replaced by G.
Molecular consequence: splice acceptor variant.
Genome position (GRCh38, 1-based): chr14:58,429,361, A>G. VCF-style: chr14-58429361-A-G. GRCh37 (hg19) VCF-style: chr14-58896079-A-G.
Other names: c.236-2A>G (NM_001244189.2); c.155-2A>G (NM_001244190.2); c.-56-2A>G (NM_001244192.2, NM_001244191.2, NM_001364701.2 and 2 more transcripts); c.200-2A>G (NM_001329944.2, NM_001329946.2, NM_001329947.2 and 1 more transcripts).
Identifiers: ClinVar variation 2934034 (VCV002934034.3), dbSNP rs765227931, ClinGen allele CA389859340.

ClinVar aggregate classification (germline): Likely pathogenic (1 of 4 stars; one submission).

Conditions:
Short-rib thoracic dysplasia 14 with polydactyly (SRTD14). Identifiers: Orphanet 397715, MedGen C4225286, MONDO:0014688, OMIM 616546.
Joubert syndrome 23 (JBTS23). Identifiers: Orphanet 475, MedGen C4084822, MONDO:0014664, OMIM 616490.

gnomAD v4.1: 1 of 1,560,428 alleles (0.000064%); highest among the groups gnomAD compares: South Asian, 0.0011%; no homozygotes.

Submission:

Labcorp Genetics (formerly Invitae), Labcorp
Classification: Likely pathogenic for Joubert syndrome 23; Short-rib thoracic dysplasia 14 with polydactyly. Last evaluated: 2022-12-05. Review status: criteria provided, single submitter. Criteria: Invitae Variant Classification Sherloc (09022015). Collection method: clinical testing. Allele origin: germline.
Comment: Algorithms developed to predict the effect of sequence changes on RNA splicing suggest that this variant may disrupt the consensus splice site. In summary, the currently available evidence indicates that the variant is pathogenic, but additional data are needed to prove that conclusively. Therefore, this variant has been classified as Likely Pathogenic. This variant has not been reported in the literature in individuals affected with KIAA0586-related conditions. This sequence change affects an acceptor splice site in intron 2 of the KIAA0586 gene. It is expected to disrupt RNA splicing. Variants that disrupt the donor or acceptor splice site typically lead to a loss of protein function (PMID: 16199547), and loss-of-function variants in KIAA0586 are known to be pathogenic (PMID: 26096313, 26166481, 26386044). This variant is not present in population databases (gnomAD no frequency).

Literature cited by the submitters: PubMed 16199547; PubMed 26096313; PubMed 26166481; PubMed 26386044.